The following is an entry in ClinVar:

ClinVar aggregate classification (germline): Uncertain significance (1 of 4 stars; one submission).

Conditions:
Hereditary cancer-predisposing syndrome. Also called: Neoplastic Syndromes, Hereditary; Tumor predisposition; Hereditary neoplastic syndrome; Hereditary Cancer Syndrome. Identifiers: Orphanet 140162, MedGen C0027672, MeSH D009386, MONDO:0015356.

gnomAD v4.1: 2 of 1,613,888 alleles (0.00012%); highest among the groups gnomAD compares: Non-Finnish European, 0.000085%; no homozygotes.

Submission:

Ambry Genetics
Classification: Uncertain significance for Hereditary cancer-predisposing syndrome. Last evaluated: 2026-07-06. Review status: criteria provided, single submitter. Criteria: Ambry Variant Classification Scheme 2023. Collection method: clinical testing. Allele origin: germline.
Comment: The p.D1909H variant (also known as c.5725G>C), located in coding exon 10 of the BRCA2 gene, results from a G to C substitution at nucleotide position 5725. The aspartic acid at codon 1909 is replaced by histidine, an amino acid with similar properties. This amino acid position is conserved. In addition, this alteration is predicted to be tolerated by in silico analysis. Based on the available evidence, the clinical significance of this variant remains unclear.

NM_000059.4(BRCA2):c.5725G>C (p.Asp1909His)

Gene: BRCA2 (BRCA2 DNA repair associated; plus strand). Cytogenetic location: 13q13.1.
Variant type: single nucleotide variant.
Coding change: c.5725G>C on transcript NM_000059.4 (MANE Select); coding-DNA position 5725, G replaced by C.
Protein change: p.Asp1909His; replaces aspartic acid 1909 with histidine.
Molecular consequence: missense variant. On other transcripts: non-coding transcript variant (1), intron variant (2).
Genome position (GRCh38, 1-based): chr13:32,340,080, G>C. VCF-style: chr13-32340080-G-C. GRCh37 (hg19) VCF-style: chr13-32914217-G-C.
Other names: c.5725G>C, p.Asp1909His (NM_001406719.1, NM_001406720.1, NM_001432077.1); c.1910-4478G>C (NM_001406721.1); c.425-4478G>C (NM_001406722.1); short protein forms D1909H.
Identifiers: ClinVar variation 5033267 (VCV005033267.1).